The following is an entry in ClinVar:

ClinVar aggregate classification (germline): Uncertain significance (1 of 4 stars; one submission).

Conditions:
Supravalvar aortic stenosis (SVAS). Also called: Supravalvar aortic stenosis, Eisenberg type. Identifiers: Orphanet 3193, MedGen C0003499, MONDO:0008504, OMIM 185500, HP:0004381.

gnomAD v4.1: 1 of 1,612,398 alleles (0.000062%); highest among the groups gnomAD compares: African/African-American, 0.0013%; no homozygotes.

Submission:

Labcorp Genetics (formerly Invitae), Labcorp
Classification: Uncertain significance for Supravalvar aortic stenosis. Last evaluated: 2024-07-11. Review status: criteria provided, single submitter. Criteria: Invitae Variant Classification Sherloc (09022015). Collection method: clinical testing. Allele origin: germline.
Comment: This sequence change falls in intron 6 of the ELN gene. It does not directly change the encoded amino acid sequence of the ELN protein. It affects a nucleotide within the consensus splice site. This variant is not present in population databases (gnomAD no frequency). This variant has not been reported in the literature in individuals affected with ELN-related conditions. Variants that disrupt the consensus splice site are a relatively common cause of aberrant splicing (PMID: 17576681, 9536098). Algorithms developed to predict the effect of sequence changes on RNA splicing suggest that this variant may disrupt the consensus splice site. In summary, the available evidence is currently insufficient to determine the role of this variant in disease. Therefore, it has been classified as a Variant of Uncertain Significance.

Literature cited by the submitters: PubMed 17576681; PubMed 9536098.

NM_000501.4(ELN):c.325+5G>A

Gene: ELN (elastin; plus strand). Cytogenetic location: 7q11.23.
Variant type: single nucleotide variant.
Coding change: c.325+5G>A on transcript NM_000501.4 (MANE Select); 5 bases into the intron after coding-DNA position 325, G replaced by A.
Molecular consequence: intron variant.
Genome position (GRCh38, 1-based): chr7:74,042,711, G>A. VCF-style: chr7-74042711-G-A. GRCh37 (hg19) VCF-style: chr7-73457041-G-A.
Other names: c.325+5G>A (NM_001081754.3, NM_001081753.3, NM_001278939.2 and 4 more transcripts); c.289+5G>A (NM_001278913.2); c.295+5G>A (NM_001278914.2, NM_001278917.2, NM_001081752.3 and 1 more transcripts).
Identifiers: ClinVar variation 3659280 (VCV003659280.2).